The following is an entry in ClinVar:

NM_000038.6(APC):c.8085A>G (p.Lys2695=)

Gene: APC (APC regulator of Wnt signaling pathway; plus strand). Cytogenetic location: 5q22.2.
Variant type: single nucleotide variant.
Coding change: c.8085A>G on transcript NM_000038.6 (MANE Select); coding-DNA position 8085, A replaced by G.
Protein change: p.Lys2695=; no amino-acid change (lysine 2695 retained).
Molecular consequence: synonymous variant. On other transcripts: non-coding transcript variant (2).
Genome position (GRCh38, 1-based): chr5:112,843,679, A>G. VCF-style: chr5-112843679-A-G. GRCh37 (hg19) VCF-style: chr5-112179376-A-G.
Other names: c.7836A>G, p.Lys2612= (NM_001407455.1, NM_001407456.1, NM_001407457.1 and 1 more transcripts); c.7782A>G, p.Lys2594= (NM_001407458.1, NM_001407459.1, NM_001407460.1 and 1 more transcripts); c.7698A>G, p.Lys2566= (NM_001407467.1, NM_001407469.1); c.7236A>G, p.Lys2412= (NM_001407470.1, NM_001354906.2); c.6933A>G, p.Lys2311= (NM_001407471.1, NM_001407472.1); c.8085A>G, p.Lys2695= (NM_001127510.3, NM_001354895.2, NM_001407450.1); c.8031A>G, p.Lys2677= (NM_001127511.3); c.8139A>G, p.Lys2713= (NM_001354896.2, NM_001407447.1, NM_001407448.1 and 1 more transcripts); and 11 more.
Identifiers: ClinVar variation 1692425 (VCV001692425.2), dbSNP rs2149998986, ClinGen allele CA446211062.

ClinVar aggregate classification (germline): Conflicting classifications of pathogenicity. Review status: criteria provided, conflicting classifications (1 of 4 stars). 2 submissions from 2 submitters: Uncertain significance (1); Benign (1). Last evaluated 2024-04-12.

Conditions:
Hereditary cancer-predisposing syndrome. Also called: Hereditary Cancer Syndrome; Hereditary neoplastic syndrome; Neoplastic Syndromes, Hereditary; Tumor predisposition. Identifiers: Orphanet 140162, MedGen C0027672, MeSH D009386, MONDO:0015356.
Familial adenomatous polyposis 1 (FAP1). Also called: FAMILIAL ADENOMATOUS POLYPOSIS 1, ATTENUATED; POLYPOSIS, ADENOMATOUS INTESTINAL. Identifiers: MedGen C2713442, MONDO:0021056, OMIM 175100. Disease mechanism: loss of function.

Submissions (2):

Myriad Genetics, Inc.
Classification: Benign for Familial adenomatous polyposis 1. Last evaluated: 2024-04-12. Review status: criteria provided, single submitter. Criteria: Myriad Autosomal Dominant, Autosomal Recessive and X-Linked Classification Criteria (2023). Collection method: clinical testing. Allele origin: unknown.
Comment: This variant is considered benign. This variant is a silent/synonymous amino acid change and it is not expected to impact splicing.

Sema4
Classification: Uncertain significance for Hereditary cancer-predisposing syndrome. Last evaluated: 2021-12-16. Review status: criteria provided, single submitter. Criteria: Sema4 Curation Guidelines. Collection method: curation. Allele origin: germline.
Comment: The APC c.8085A>G (p.K2695=) variant has not been reported in the literature to our knowledge. This variant is not reported in the Genome Aggregation Database (PMID: 32461654) or ClinVar. This variant involves a moderately conserved nucleotide, and in silico tools suggest that it does not impact splicing though these predictions have not been confirmed by functional studies. There is no indication that this variant causes disease, but the evidence is insufficient currently to prove that conclusively. In summary, the clinical significance of this variant is currently uncertain.